The following is an entry in ClinVar:

NM_005585.5(SMAD6):c.665C>G (p.Pro222Arg)

Gene: SMAD6 (SMAD family member 6; plus strand). Cytogenetic location: 15q22.31.
Variant type: single nucleotide variant.
Coding change: c.665C>G on transcript NM_005585.5 (MANE Select); coding-DNA position 665, C replaced by G.
Protein change: p.Pro222Arg; replaces proline 222 with arginine.
Molecular consequence: missense variant. On other transcripts: non-coding transcript variant (1).
Genome position (GRCh38, 1-based): chr15:66,703,923, C>G. VCF-style: chr15-66703923-C-G. GRCh37 (hg19) VCF-style: chr15-66996261-C-G.
Other names: short protein forms P222R.
Identifiers: ClinVar variation 4170082 (VCV004170082.2).

ClinVar aggregate classification (germline): Uncertain significance. Review status: criteria provided, multiple submitters, no conflicts (2 of 4 stars). 2 submissions from 2 submitters: Uncertain significance (2). Last evaluated 2025-07-02.

Conditions:
Inborn genetic diseases. Identifiers: MedGen C0950123, MeSH D030342.
Aortic valve disease 2 (AOVD2). Identifiers: MedGen C3542024, MONDO:0013902, OMIM 614823.

Submissions (2):

Ambry Genetics
Classification: Uncertain significance for Inborn genetic diseases. Last evaluated: 2025-07-02. Review status: criteria provided, single submitter. Criteria: Ambry Variant Classification Scheme 2023. Collection method: clinical testing. Allele origin: germline.

Labcorp Genetics (formerly Invitae), Labcorp
Classification: Uncertain significance for Aortic valve disease 2. Last evaluated: 2025-04-20. Review status: criteria provided, single submitter. Criteria: Invitae Variant Classification Sherloc (09022015). Collection method: clinical testing. Allele origin: germline.
Comment: This sequence change replaces proline, which is neutral and non-polar, with arginine, which is basic and polar, at codon 222 of the SMAD6 protein (p.Pro222Arg). This variant is not present in population databases (gnomAD no frequency). This variant has not been reported in the literature in individuals affected with SMAD6-related conditions. Invitae Evidence Modeling of protein sequence and biophysical properties (such as structural, functional, and spatial information, amino acid conservation, physicochemical variation, residue mobility, and thermodynamic stability) has been performed for this missense variant. However, the output from this modeling did not meet the statistical confidence thresholds required to predict the impact of this variant on SMAD6 protein function. In summary, the available evidence is currently insufficient to determine the role of this variant in disease. Therefore, it has been classified as a Variant of Uncertain Significance.